The following is an entry in ClinVar:

ClinVar aggregate classification (germline): Likely pathogenic (1 of 4 stars; one submission).

Conditions:
MAF-related disorder. Also called: MAF-related condition.

Submission:

PreventionGenetics, part of Exact Sciences
Classification: Likely pathogenic for MAF-related condition. Last evaluated: 2022-11-02. Review status: criteria provided, single submitter. Criteria: ACMG Guidelines, 2015. Collection method: clinical testing. Allele origin: germline.
Comment: The MAF c.854_856delAGG variant is predicted to result in an in-frame deletion (p.Glu285del). To our knowledge, this variant has not been reported in the literature or in a large population database, indicating this variant is rare. We interpret c.854_856del (p.Glu285del) as likely pathogenic.

NM_005360.5(MAF):c.848AGG[2] (p.Glu285del)

Gene: MAF (MAF bZIP transcription factor; minus strand). Cytogenetic location: 16q23.2.
Variant type: Microsatellite.
Coding change: c.848AGG[2] on transcript NM_005360.5 (MANE Select); two copies in a row of the 3-base unit AGG starting at c.848; the reference has three copies in a row; one copy, 3 bases deleted.
Protein change: p.Glu285del; deletes glutamic acid 285.
Molecular consequence: inframe deletion.
Genome position (GRCh38, 1-based): chr16:79,599,047-79,599,049, CCT deleted on the plus strand (AGG on the coding strand, the reverse complement: MAF is on the minus strand); deleting any 3 consecutive bases within chr16:79,599,047-79,599,055 gives the same sequence; the position shown is the placement nearest the transcript's 3' end. VCF-style (leftmost placement, unchanged base first): chr16-79599046-ACCT-A. GRCh37 (hg19) VCF-style: chr16-79632943-ACCT-A.
Other names: c.848AGG[2], p.Glu285del (NM_001031804.3); short protein forms E285del.
Identifiers: ClinVar variation 2635299 (VCV002635299.1), dbSNP rs2507655460, ClinGen allele CA2695197684.